The following is an entry in ClinVar:

NM_005188.4(CBL):c.2275C>T (p.His759Tyr)

Gene: CBL (Cbl proto-oncogene; plus strand). Cytogenetic location: 11q23.3.
Variant type: single nucleotide variant.
Coding change: c.2275C>T on transcript NM_005188.4 (MANE Select); coding-DNA position 2275, C replaced by T.
Protein change: p.His759Tyr; replaces histidine 759 with tyrosine.
Molecular consequence: missense variant.
Genome position (GRCh38, 1-based): chr11:119,298,381, C>T. VCF-style: chr11-119298381-C-T. GRCh37 (hg19) VCF-style: chr11-119169091-C-T.
Other names: short protein forms H759Y.
Identifiers: ClinVar variation 3996019 (VCV003996019.1).
Genomic context (GRCh38, chr11:119,298,381, plus strand): 5'-GCGTCAGAAGAAGATAACATCACTCATTTTTCTCCAGGTGAAGGGAATTTGGCCGCAGCC[C>T]ATGCCAACACTGGTCCCGAGGAGTCAGAAAATGAGGATGATGGGTATGATGTCCCAAAGC-3'
Protein context (NP_005179.2, residues 749-769): TFGEGNLAAA[His759Tyr]ANTGPEESEN

ClinVar aggregate classification (germline): Uncertain significance (1 of 4 stars; one submission).

Conditions:
Cardiovascular phenotype. Identifiers: MedGen CN230736.

gnomAD v4.1: 4 of 1,614,168 alleles (0.00025%); highest among the groups gnomAD compares: Non-Finnish European, 0.00034%; no homozygotes.

Submission:

Ambry Genetics
Classification: Uncertain significance for Cardiovascular phenotype. Last evaluated: 2025-04-13. Review status: criteria provided, single submitter. Criteria: Ambry Variant Classification Scheme 2023. Collection method: clinical testing. Allele origin: germline.
Comment: The p.H759Y variant (also known as c.2275C>T), located in coding exon 15 of the CBL gene, results from a C to T substitution at nucleotide position 2275. The histidine at codon 759 is replaced by tyrosine, an amino acid with similar properties. This amino acid position is conserved. In addition, this alteration is predicted to be tolerated by in silico analysis. Based on the available evidence, the clinical significance of this variant remains unclear.